The following is an entry in ClinVar:

NM_020320.5(RARS2):c.1421A>G (p.Glu474Gly)

Gene: RARS2 (arginyl-tRNA synthetase 2, mitochondrial; minus strand). Cytogenetic location: 6q15.
Variant type: single nucleotide variant.
Coding change: c.1421A>G on transcript NM_020320.5 (MANE Select); coding-DNA position 1421, A replaced by G.
Protein change: p.Glu474Gly; replaces glutamic acid 474 with glycine.
Molecular consequence: missense variant. On other transcripts: non-coding transcript variant (19).
Genome position (GRCh38, 1-based): chr6:87,518,259, T>C on the plus strand (A>G on the coding strand, the complement: RARS2 is on the minus strand). VCF-style: chr6-87518259-T-C. GRCh37 (hg19) VCF-style: chr6-88227977-T-C.
Other names: c.896A>G, p.Glu299Gly (NM_001318785.2, NM_001350506.2, NM_001350507.2 and 4 more transcripts); c.1421A>G, p.Glu474Gly (NM_001350505.2); c.1421A>G (NM_020320.3); short protein forms E299G, E474G.
Identifiers: ClinVar variation 1989244 (VCV001989244.5), dbSNP rs2483063523, ClinGen allele CA364921278.

ClinVar aggregate classification (germline): Uncertain significance. Review status: criteria provided, multiple submitters, no conflicts (2 of 4 stars). 2 submissions from 2 submitters: Uncertain significance (2). Last evaluated 2025-11-26.

Conditions:
Inborn genetic diseases. Identifiers: MedGen C0950123, MeSH D030342.

Allele frequency attached by ClinVar (database versions not stated): gnomAD exomes below 0.00001.
gnomAD v4.1: 2 of 1,614,156 alleles (0.00012%); highest among the groups gnomAD compares: African/African-American, 0.0027%; no homozygotes.

Submissions (2):

Ambry Genetics
Classification: Uncertain significance for Inborn genetic diseases. Last evaluated: 2025-11-26. Review status: criteria provided, single submitter. Criteria: Ambry Variant Classification Scheme 2023. Collection method: clinical testing. Allele origin: germline.

Labcorp Genetics (formerly Invitae), Labcorp
Classification: Uncertain significance. Last evaluated: 2022-05-25. Review status: criteria provided, single submitter. Criteria: Invitae Variant Classification Sherloc (09022015). Collection method: clinical testing. Allele origin: germline.
Comment: In summary, the available evidence is currently insufficient to determine the role of this variant in disease. Therefore, it has been classified as a Variant of Uncertain Significance. Algorithms developed to predict the effect of sequence changes on RNA splicing suggest that this variant may disrupt the consensus splice site. Advanced modeling of protein sequence and biophysical properties (such as structural, functional, and spatial information, amino acid conservation, physicochemical variation, residue mobility, and thermodynamic stability) performed at Invitae indicates that this missense variant is expected to disrupt RARS2 protein function. This variant has not been reported in the literature in individuals affected with RARS2-related conditions. This variant is not present in population databases (gnomAD no frequency). This sequence change replaces glutamic acid, which is acidic and polar, with glycine, which is neutral and non-polar, at codon 474 of the RARS2 protein (p.Glu474Gly).